The following is an entry in ClinVar:

NM_000414.4(HSD17B4):c.1635dup (p.Gln546fs)

Gene: HSD17B4 (hydroxysteroid 17-beta dehydrogenase 4; plus strand). Cytogenetic location: 5q23.1.
Variant type: Duplication.
Coding change: c.1635dup on transcript NM_000414.4 (MANE Select); coding-DNA position 1635, one base duplicated (A; older notation c.1635dupA).
Protein change: p.Gln546fs; shifts the reading frame from glutamine 546.
Molecular consequence: frameshift variant. On other transcripts: non-coding transcript variant (2).
Genome position (GRCh38, 1-based): chr5:119,525,978, A duplicated. VCF-style (leftmost placement, unchanged base first): chr5-119525977-T-TA. GRCh37 (hg19) VCF-style: chr5-118861672-T-TA.
Other names: c.1710dup, p.Gln571fs (NM_001199291.3); c.1581dup, p.Gln528fs (NM_001199292.2); c.1563dup, p.Gln522fs (NM_001292027.2, NM_001374498.1); c.1215dup, p.Gln406fs (NM_001292028.2); c.1626dup, p.Gln543fs (NM_001374497.1); c.1308dup, p.Gln437fs (NM_001374499.1); c.1194dup, p.Gln399fs (NM_001374500.1); c.1224dup, p.Gln409fs (NM_001374501.1, NM_001374502.1, NM_001374503.1); short protein forms Q399fs, Q406fs, Q409fs, Q437fs, Q522fs, Q528fs, Q543fs, Q546fs.
Identifiers: ClinVar variation 2676139 (VCV002676139.2), dbSNP rs2531912467, ClinGen allele CA2695198731.

ClinVar aggregate classification (germline): Pathogenic/Likely pathogenic. Review status: criteria provided, multiple submitters, no conflicts (2 of 4 stars). 2 submissions from 2 submitters: Pathogenic (1); Likely pathogenic (1). Last evaluated 2025-12-21.

Conditions:
Bifunctional peroxisomal enzyme deficiency (DBIF). Also called: D-bifunctional protein deficiency; PBFE DEFICIENCY; DBP DEFICIENCY. Identifiers: Orphanet 300, MedGen C0342870, MONDO:0009855, OMIM 261515. Disease mechanism: loss of function.
Perrault syndrome. Also called: Gonadal dysgenesis with auditory dysfunction, autosomal recessive inheritance. Identifiers: Orphanet 2855, MedGen C0685838, MONDO:0017312.

Submissions (2):

Labcorp Genetics (formerly Invitae), Labcorp
Classification: Pathogenic for Perrault syndrome; Bifunctional peroxisomal enzyme deficiency. Last evaluated: 2025-12-21. Review status: criteria provided, single submitter. Criteria: Invitae Variant Classification Sherloc (09022015). Collection method: clinical testing. Allele origin: germline.
Comment: This sequence change creates a premature translational stop signal (p.Gln546Thrfs*6) in the HSD17B4 gene. It is expected to result in an absent or disrupted protein product. Loss-of-function variants in HSD17B4 are known to be pathogenic (PMID: 11810648, 16385454, 20673864). This variant is not present in population databases (gnomAD no frequency). This variant has not been reported in the literature in individuals affected with HSD17B4-related conditions. ClinVar contains an entry for this variant (Variation ID: 2676139). For these reasons, this variant has been classified as Pathogenic.

Baylor Genetics
Classification: Likely pathogenic for Bifunctional peroxisomal enzyme deficiency. Last evaluated: 2023-10-22. Review status: criteria provided, single submitter. Criteria: ACMG Guidelines, 2015. Collection method: clinical testing. Allele origin: unknown.

Literature cited by the submitters: PubMed 11810648 (cited by Labcorp Genetics (formerly Invitae), Labcorp); PubMed 16385454 (cited by Labcorp Genetics (formerly Invitae), Labcorp); PubMed 20673864 (cited by Labcorp Genetics (formerly Invitae), Labcorp).